The following is an entry in ClinVar:

NM_181486.4(TBX5):c.-1C>A

Gene: TBX5 (T-box transcription factor 5; minus strand). Cytogenetic location: 12q24.21.
Variant type: single nucleotide variant.
Coding change: c.-1C>A on transcript NM_181486.4 (MANE Select); 1 bases upstream of the start codon, C replaced by A.
Molecular consequence: 5 prime UTR variant. On other transcripts: intron variant (1).
Genome position (GRCh38, 1-based): chr12:114,403,899, G>T on the plus strand (C>A on the coding strand, the complement: TBX5 is on the minus strand). VCF-style: chr12-114403899-G-T. GRCh37 (hg19) VCF-style: chr12-114841704-G-T.
Other names: c.-1C>A (NM_000192.3); c.-3-1979C>A (NM_080717.4).
Identifiers: ClinVar variation 3453913 (VCV003453913.1).

ClinVar aggregate classification (germline): Uncertain significance (1 of 4 stars; one submission).

Conditions:
Cardiovascular phenotype. Identifiers: MedGen CN230736.

Submission:

Ambry Genetics
Classification: Uncertain significance for Cardiovascular phenotype. Last evaluated: 2024-07-24. Review status: criteria provided, single submitter. Criteria: Ambry Variant Classification Scheme 2023. Collection method: clinical testing. Allele origin: germline.
Comment: The c.-1C>A variant is located in the 5' untranslated region (5&rsquo; UTR) of the TBX5 gene. This variant results from a C to A substitution 1 nucleotide upstream from the first translated codon. This nucleotide position is not well conserved in available vertebrate species. Based on the available evidence, the clinical significance of this variant remains unclear.